The following is an entry in ClinVar:

NM_152564.5(VPS13B):c.9743-8A>G

Gene: VPS13B (vacuolar protein sorting 13 homolog B; plus strand). Cytogenetic location: 8q22.2.
Variant type: single nucleotide variant.
Coding change: c.9743-8A>G on transcript NM_152564.5 (MANE Select); 8 bases into the intron before coding-DNA position 9743, A replaced by G.
Molecular consequence: intron variant.
Genome position (GRCh38, 1-based): chr8:99,835,531, A>G. VCF-style: chr8-99835531-A-G. GRCh37 (hg19) VCF-style: chr8-100847759-A-G.
Other names: c.9818-8A>G (NM_017890.5).
Identifiers: ClinVar variation 5000527 (VCV005000527.1).

ClinVar aggregate classification (germline): Uncertain significance (1 of 4 stars; one submission).

Conditions:
VPS13B-related disorder. Also called: VPS13B-related condition.

Submission:

PreventionGenetics, part of Exact Sciences
Classification: Uncertain significance for VPS13B-related condition. Last evaluated: 2026-01-13. Review status: criteria provided, single submitter. Criteria: ACMG Guidelines, 2015. Collection method: clinical testing. Allele origin: germline.
Comment: The VPS13B c.9743-8A>G variant is predicted to interfere with splicing. This variant is predicted to alter splicing based on available splicing prediction programs (SpliceAI, Jaganathan et al. 2019. PubMed ID: 30661751). To our knowledge, this variant has not been reported in the literature or in a large population database (gnomAD), indicating this variant is rare. At this time, the clinical significance of this variant is uncertain due to the absence of conclusive functional and genetic evidence.